The following is an entry in ClinVar:

ClinVar aggregate classification (germline): Uncertain significance (1 of 4 stars; one submission).

Conditions:
Congenital myasthenic syndrome 8. Also called: Myasthenic syndrome, congenital, 8, with pre- and postsynaptic defects; MYASTHENIC SYNDROME, CONGENITAL, DUE TO AGRIN DEFICIENCY. Identifiers: Orphanet 590, MedGen C3808739, MONDO:0014052, OMIM 615120.

Allele frequency attached by ClinVar (database versions not stated): gnomAD exomes below 0.00001 and 0.00001; ExAC 0.00001; gnomAD 0.00001; 1000 Genomes Project 0.00020; 1000 Genomes Project 30x 0.00031.
gnomAD v4.1: 3 of 1,612,480 alleles (0.00019%); highest among the groups gnomAD compares: Admixed American, 0.005%; no homozygotes.

Submission:

Labcorp Genetics (formerly Invitae), Labcorp
Classification: Uncertain significance for Congenital myasthenic syndrome 8. Last evaluated: 2021-02-23. Review status: criteria provided, single submitter. Criteria: Invitae Variant Classification Sherloc (09022015). Collection method: clinical testing. Allele origin: germline.
Comment: This sequence change replaces glycine with glutamic acid at codon 819 of the AGRN protein (p.Gly819Glu). The glycine residue is highly conserved and there is a moderate physicochemical difference between glycine and glutamic acid. This variant is present in population databases (rs202021682, ExAC 0.009%). This variant has not been reported in the literature in individuals with AGRN-related conditions. Algorithms developed to predict the effect of missense changes on protein structure and function are either unavailable or do not agree on the potential impact of this missense change (SIFT: "Deleterious"; PolyPhen-2: "Probably Damaging"; Align-GVGD: "Class C0"). In summary, the available evidence is currently insufficient to determine the role of this variant in disease. Therefore, it has been classified as a Variant of Uncertain Significance.

NM_198576.4(AGRN):c.2456G>A (p.Gly819Glu)

Gene: AGRN (agrin; plus strand). Cytogenetic location: 1p36.33.
Variant type: single nucleotide variant.
Coding change: c.2456G>A on transcript NM_198576.4 (MANE Select); coding-DNA position 2456, G replaced by A.
Protein change: p.Gly819Glu; replaces glycine 819 with glutamic acid.
Molecular consequence: missense variant.
Genome position (GRCh38, 1-based): chr1:1,045,443, G>A. VCF-style: chr1-1045443-G-A. GRCh37 (hg19) VCF-style: chr1-980823-G-A.
Other names: c.2456G>A, p.Gly819Glu (NM_001305275.2); c.2141G>A, p.Gly714Glu (NM_001364727.2); short protein forms G714E, G819E.
Identifiers: ClinVar variation 1436671 (VCV001436671.8), dbSNP rs202021682, ClinGen allele CA508638.